The following is an entry in ClinVar:

NM_001271.4(CHD2):c.4934A>G (p.Lys1645Arg)

Gene: CHD2 (chromodomain helicase DNA binding protein 2; plus strand). Cytogenetic location: 15q26.1.
Variant type: single nucleotide variant.
Coding change: c.4934A>G on transcript NM_001271.4 (MANE Select); coding-DNA position 4934, A replaced by G.
Protein change: p.Lys1645Arg; replaces lysine 1645 with arginine.
Molecular consequence: missense variant.
Genome position (GRCh38, 1-based): chr15:93,020,039, A>G. VCF-style: chr15-93020039-A-G. GRCh37 (hg19) VCF-style: chr15-93563269-A-G.
Other names: short protein forms K1645R.
Identifiers: ClinVar variation 1441636 (VCV001441636.8), dbSNP rs751850387, ClinGen allele CA274888343.

ClinVar aggregate classification (germline): Uncertain significance (1 of 4 stars; one submission).

Conditions:
Developmental and epileptic encephalopathy 94 (DEE94). Also called: Epileptic encephalopathy, childhood-onset; CHD2-Related Neurodevelopmental Disorders. Identifiers: Orphanet 1942, Orphanet 2382, MedGen C3809278, MONDO:0014150, OMIM 615369.

gnomAD v4.1: 1 of 1,613,388 alleles (0.000062%); highest among the groups gnomAD compares: Non-Finnish European, 0.000085%; no homozygotes.

Submission:

Labcorp Genetics (formerly Invitae), Labcorp
Classification: Uncertain significance for Developmental and epileptic encephalopathy 94. Last evaluated: 2023-08-10. Review status: criteria provided, single submitter. Criteria: Invitae Variant Classification Sherloc (09022015). Collection method: clinical testing. Allele origin: germline.
Comment: In summary, the available evidence is currently insufficient to determine the role of this variant in disease. Therefore, it has been classified as a Variant of Uncertain Significance. Advanced modeling of protein sequence and biophysical properties (such as structural, functional, and spatial information, amino acid conservation, physicochemical variation, residue mobility, and thermodynamic stability) performed at Invitae indicates that this missense variant is not expected to disrupt CHD2 protein function. ClinVar contains an entry for this variant (Variation ID: 1441636). This variant has not been reported in the literature in individuals affected with CHD2-related conditions. This variant is not present in population databases (gnomAD no frequency). This sequence change replaces lysine, which is basic and polar, with arginine, which is basic and polar, at codon 1645 of the CHD2 protein (p.Lys1645Arg).